The following is an entry in ClinVar:

ClinVar aggregate classification (germline): Benign (1 of 4 stars; one submission).

gnomAD v4.1: 18,333 of 1,602,140 alleles (1.1%); highest among the groups gnomAD compares: Middle Eastern, 1.8%; 110 homozygotes.

Submission:

CeGaT Center for Human Genetics Tuebingen
Classification: Benign. Last evaluated: 2025-04-01. Review status: criteria provided, single submitter. Criteria: CeGaT Center For Human Genetics Tuebingen Variant Classification Criteria Version 2. Collection method: clinical testing. Allele origin: germline. Affected: yes. Observed: 1 variant allele.
Comment: DEDD2: BP4, BP7, BS1, BS2

NM_133328.4(DEDD2):c.621C>T (p.Cys207=)

Genes: DEDD2 (death effector domain containing 2; minus strand), LOC130064557 (ATAC-STARR-seq lymphoblastoid active region 14704; plus strand). Cytogenetic location: 19q13.2.
Variant type: single nucleotide variant.
Coding change: c.621C>T on transcript NM_133328.4 (MANE Select); coding-DNA position 621, C replaced by T.
Protein change: p.Cys207=; no amino-acid change (cysteine 207 retained).
Molecular consequence: synonymous variant. On other transcripts: non-coding transcript variant (7).
Genome position (GRCh38, 1-based): chr19:42,199,798, G>A on the plus strand (C>T on the coding strand, the complement: DEDD2 is on the minus strand). VCF-style: chr19-42199798-G-A. GRCh37 (hg19) VCF-style: chr19-42703950-G-A.
Other names: c.621C>T, p.Cys207= (NM_001270614.2); c.606C>T, p.Cys202= (NM_001270615.2).
Identifiers: ClinVar variation 3898092 (VCV003898092.7).